The following is an entry in ClinVar:

NM_152703.5(SAMD9L):c.2437T>C (p.Phe813Leu)

Gene: SAMD9L (sterile alpha motif domain containing 9 like; minus strand). Cytogenetic location: 7q21.2.
Variant type: single nucleotide variant.
Coding change: c.2437T>C on transcript NM_152703.5 (MANE Select); coding-DNA position 2437, T replaced by C.
Protein change: p.Phe813Leu; replaces phenylalanine 813 with leucine.
Molecular consequence: missense variant.
Genome position (GRCh38, 1-based): chr7:93,133,535, A>G on the plus strand (T>C on the coding strand, the complement: SAMD9L is on the minus strand). VCF-style: chr7-93133535-A-G. GRCh37 (hg19) VCF-style: chr7-92762848-A-G.
Other names: c.2437T>C, p.Phe813Leu (NM_001303496.3, NM_001303497.3, NM_001303498.3 and 5 more transcripts); short protein forms F813L.
Identifiers: ClinVar variation 1998333 (VCV001998333.4), dbSNP rs2535420362, ClinGen allele CA368187754.

ClinVar aggregate classification (germline): Uncertain significance (1 of 4 stars; one submission).

Submission:

Labcorp Genetics (formerly Invitae), Labcorp
Classification: Uncertain significance. Last evaluated: 2022-05-24. Review status: criteria provided, single submitter. Criteria: Invitae Variant Classification Sherloc (09022015). Collection method: clinical testing. Allele origin: germline.
Comment: This sequence change replaces phenylalanine, which is neutral and non-polar, with leucine, which is neutral and non-polar, at codon 813 of the SAMD9L protein (p.Phe813Leu). This variant is not present in population databases (gnomAD no frequency). This variant has not been reported in the literature in individuals affected with SAMD9L-related conditions. Algorithms developed to predict the effect of missense changes on protein structure and function output the following: SIFT: "Not Available"; PolyPhen-2: "Benign"; Align-GVGD: "Not Available". The leucine amino acid residue is found in multiple mammalian species, which suggests that this missense change does not adversely affect protein function. In summary, the available evidence is currently insufficient to determine the role of this variant in disease. Therefore, it has been classified as a Variant of Uncertain Significance.